The following is an entry in ClinVar:

ClinVar aggregate classification (germline): Likely pathogenic. Review status: criteria provided, single submitter (1 of 4 stars). 2 submissions from 2 submitters: Likely pathogenic (1). 1 of the submissions does not count toward it. Last evaluated 2021-04-13.

Conditions:
Intellectual developmental disorder with seizures and language delay (IDDSELD). Identifiers: MedGen C5436574, MONDO:0033559, OMIM 619000.

Submissions (2):

SIB Swiss Institute of Bioinformatics
Classification: Likely pathogenic for Intellectual developmental disorder with seizures and language delay. Last evaluated: 2021-04-13. Review status: criteria provided, single submitter. Criteria: ACMG Guidelines, 2015. Collection method: curation. Allele origin: unknown.
Comment: This variant is interpreted as likely pathogenic for Intellectual developmental disorder with seizures and language delay, autosomal dominant. The following ACMG Tag(s) were applied: Absent from controls (or at extremely low frequency if recessive) in Exome Sequencing Project, 1000 Genomes Project, or Exome Aggregation Consortium (PM2); De novo (paternity and maternity confirmed) (PS2); Prevalence in affected individuals statistically increased over controls (PS4 downgraded to supporting); Multiple lines of computational evidence support a deleterious effect on the gene or gene product (PP3); Missense variant in a gene that has a low rate of benign missense variation and in which missense variants are a common mechanism of disease (PP2).

OMIM
Classification: Pathogenic for INTELLECTUAL DEVELOPMENTAL DISORDER WITH SEIZURES AND LANGUAGE DELAY. Last evaluated: 2020-09-03. Review status: no assertion criteria provided. Collection method: literature only. Allele origin: germline. Not counted in ClinVar's aggregate classification.

Literature cited by the submitters: PubMed 31440728 (cited by SIB Swiss Institute of Bioinformatics); PubMed 31685013 (cited by SIB Swiss Institute of Bioinformatics and OMIM); PubMed 29322246 (cited by OMIM).

NM_001353345.2(SETD1B):c.5653C>T (p.Arg1885Trp)

Gene: SETD1B (SET domain containing 1B, histone lysine methyltransferase; plus strand). Cytogenetic location: 12q24.31.
Variant type: single nucleotide variant.
Coding change: c.5653C>T on transcript NM_001353345.2 (MANE Select); coding-DNA position 5653, C replaced by T.
Protein change: p.Arg1885Trp; replaces arginine 1885 with tryptophan.
Molecular consequence: missense variant.
Genome position (GRCh38, 1-based): chr12:121,827,996, C>T. VCF-style: chr12-121827996-C-T. GRCh37 (hg19) VCF-style: chr12-122265902-C-T.
Other names: R1842W; NM_015048.1:c.5524C>T; short protein forms R1885W.
Identifiers: ClinVar variation 977511 (VCV000977511.2), dbSNP rs1876920040, ClinGen allele CA387005239.